The following is an entry in ClinVar:

NM_015443.4(KANSL1):c.452A>G (p.Gln151Arg)

Gene: KANSL1 (KAT8 regulatory NSL complex subunit 1). Cytogenetic location: 17q21.31.
Variant type: single nucleotide variant.
Coding change: c.452A>G on transcript NM_015443.4 (MANE Select); coding-DNA position 452, A replaced by G.
Protein change: p.Gln151Arg; replaces glutamine 151 with arginine.
Molecular consequence: missense variant.
Genome position (GRCh38, 1-based): chr17:46,171,692, T>C on the plus strand (A>G on the coding strand, the complement: KANSL1 is on the minus strand). VCF-style: chr17-46171692-T-C. GRCh37 (hg19) VCF-style: chr17-44249058-T-C.
Other names: p.Q151R:CAA>CGA; c.452A>G, p.Gln151Arg (NM_001193465.2, NM_001193466.2, NM_001379198.1); short protein forms Q151R.
Identifiers: ClinVar variation 205805 (VCV000205805.2), dbSNP rs796052600, ClinGen allele CA315237.
Genomic context (GRCh38, chr17:46,171,692, plus strand): 5'-TCATGATCAGAATGTGTTGAACTTTTAGTCAATTTCTTAGCCAACCCATTTACAGGTGCT[T>C]GTGGCAGAGCTGTCTGACCACTCGTATTCATGGTTCTAAGATTTTCTAAGGAAAACTCCA-3'
Protein context (NP_056258.1, residues 141-161): MNTSGQTALP[Gln151Arg]APVNGLAKKL

ClinVar aggregate classification (germline): Uncertain significance (1 of 4 stars; one submission).

Submission:

GeneDx
Classification: Uncertain significance. Last evaluated: 2014-06-13. Review status: criteria provided, single submitter. Criteria: GeneDx Variant Classification (06012015). Collection method: clinical testing. Allele origin: germline. Affected: yes.
Comment: This variant is denoted p.Gln151Arg (CAA>CGA): c.452 A>G in exon 2 of the KANSL1 gene (NM_001193466.1). The Q151R variant has not been published as a mutation, nor has it been reported as a benign polymorphism to our knowledge. It was not observed in approximately 6,500 individuals of European and African American ancestry in the NHLBI Exome Sequencing Project, indicating it is not a common benign variant in these populations. The Q151R variant is a semi-conservative amino acid substitution, which may impact secondary protein structure as these residues differ in some properties. This substitution occurs at a position that is conserved in mammals. However, in silico analysis predicts this variant likely does not alter the protein structure/function and missense mutations have not been previously reported in this region of the KANSL1 protein in association with KANSL1-related disorder. Therefore, based on the currently available information, it is unclear whether this variant is a pathogenic mutation or a rare benign variant. The variant is found in EPILEPSY panel(s).